The following continues an entry in ClinVar:

NM_000492.4(CFTR):c.4056G>C (p.Gln1352His)

Gene: CFTR. ClinVar aggregate classification (germline): Conflicting classifications of pathogenicity. Pathogenic (2); Likely pathogenic (2); Uncertain significance (14); Benign (1); Likely benign (3).

Submissions 8 to 19 of 24:

Women's Health and Genetics/Laboratory Corporation of America, LabCorp
Classification: Likely benign. Last evaluated: 2025-06-26. Review status: criteria provided, single submitter. Criteria: LabCorp Variant Classification Summary - May 2015. Collection method: clinical testing. Allele origin: germline.
Comment: Variant summary: CFTR c.4056G>C (p.Gln1352His) results in a non-conservative amino acid change in the encoded protein sequence. Algorithms developed to predict the effect of missense changes on protein structure and function all suggest that this variant is likely to be disruptive. The variant allele was found at a frequency of 0.0023 in 1754570 control chromosomes, predominantly at a frequency of 0.019 within the East Asian subpopulation in the gnomAD database, including 16 homozygotes. The observed variant frequency within East Asian control individuals in the gnomAD database is approximately 1.47 fold of the estimated maximal expected allele frequency for a pathogenic variant in CFTR causing Non-Classic Cystic Fibrosis phenotype (0.013). Other control population data sources estimated the frequency of this variant to range from 0.019-0.022 across individuals of Chinese, Malay, Indian, and Japanese descent (Chan_2022, jMorp database), including >50 homozygotes. c.4056G>C variant is frequently reported in the simple heterozygous, presumed compound heterozygous, and homozygous states among numerous individuals with clinical features of CF-related conditions ranging from CBAVD and pancreatitis to cystic fibrosis, without strong evidence causality (example, Dork_1997, Keiles_2006, Bienvenu_2005, Xu_2017). A recent study found the variant in 32/276 Chinese CAVD patients (i.e. with an allele frequency of 5.98%, including 1 homozygote), and in only 1 allele from 50 control individuals (Luo_2021). Several independent publications assert that this variant is possibly associated with these CF-related phenotypes based on elevated risk. However, none of the available evidence found any recorded instances of segregation with disease, nor did any of the case/control cohorts include statistically reliable risk data due to insufficient numbers of tested individuals. At least one publication reports experimental evidence evaluating an impact on protein function in vitro. The most pronounced variant effect results in 10%-30% of normal activity (Lee_2003) and approximately 36% of normal chloride channel conductance relative to wildtype (Bihler_2024). The following publications have been ascertained in the context of this evaluation (PMID: 15463840, 16596947, 38388235, 17539902, 28603918, 9272157, 15121783, 20021716, 29997923, 17003641, 33663443, 31180159, 12952861, 22483971, 32777524, 25492507, 16678503, 20558957, 29520692, 17329263, 33374015, 31682332, 21520337, 28608624, 19812525, 20233062, 36335097). ClinVar contains an entry for this variant (Variation ID: 7237). Based on the evidence outlined above, the variant was classified as likely benign.

Victorian Clinical Genetics Services, Murdoch Childrens Research Institute
Classification: Likely pathogenic for Congenital bilateral aplasia of vas deferens from CFTR mutation. Last evaluated: 2025-02-18. Review status: criteria provided, single submitter. Criteria: ACMG Guidelines, 2015. Collection method: clinical testing. Allele origin: germline. Affected: no.
Comment: This variant is classified as Likely pathogenic. Evidence in support of pathogenic classification: This variant has moderate functional evidence supporting abnormal protein function. Expression of mature glycosylated CFTR protein and whole cell chloride currents were significantly reduced in mutant cells (PMID: 12952861); Missense variant predicted to be damaging by in silico tool(s) or highly conserved with a major amino acid change. Additional information: Variant is predicted to result in a missense amino acid change from glutamine to histidine; This variant is heterozygous; This gene is associated with autosomal recessive disease; Variant is present in gnomAD >=0.01 and <0.03 for a recessive condition (v4: 912 heterozygote(s), 18 homozygote(s)). An alternate nucleotide change resulting in the same amino acid change is also present in gnomAD (v4: 68 heterozygote(s), 1 homozygote(s)); Alternative amino acid change(s) at the same position are present in gnomAD (Highest alelle count: v4: 17 heterozygote(s), 0 homozygote(s)); Previous reports of pathogenicity for this variant are conflicting. However, this variant has been reported in multiple individuals with CF-related disorders (LOVD; ClinVar; PMID: 30811104, 32777524); No comparable missense variants have previous evidence for pathogenicity; Variant is located in the annotated ABC transporter domain (PDB); Loss of function is a known mechanism of disease in this gene and is associated with cystic fibrosis (MIM#219700) and cystic fibrosis-related disorders.

Genetics and Genomic Medicine Centre, NeuroGen Healthcare, NeuroGen Healthcare
Classification: Likely pathogenic for Hereditary pancreatitis. Last evaluated: 2024-11-23. Review status: criteria provided, single submitter. Criteria: ACMG Guidelines, 2015. Collection method: clinical testing. Allele origin: unknown. Affected: yes.

Blueprint Genetics
Classification: Uncertain significance. Last evaluated: 2024-10-07. Review status: criteria provided, single submitter. Criteria: ACMG Guidelines, 2015. Collection method: clinical testing. Allele origin: germline.

ARUP Laboratories, Molecular Genetics and Genomics, ARUP Laboratories
Classification: Pathogenic for Cystic fibrosis; Bronchiectasis with or without elevated sweat chloride 1; Hereditary pancreatitis; Congenital bilateral aplasia of vas deferens from CFTR mutation. Last evaluated: 2024-08-27. Review status: criteria provided, single submitter. Criteria: ARUP Molecular Germline Variant Investigation Process 2024. Collection method: clinical testing. Allele origin: germline.
Comment: The CFTR c.4056G>C; p.Gln1352His variant (rs113857788) is reported in the literature in multiple individuals affected with CFTR-related disorders, including congenital bilateral absence of vas deferens (Anzai 2003, Danziger 2004, Ratbi 2007, Steiner 2011, Li 2012) and pancreatitis (Lee 2003, Keiles 2006). In multiple affected individuals, this variant has been found in trans to other pathogenic CFTR variants (Anzai 2003, Steiner 2011, Li 2012). This variant is also observed at a significantly higher frequency in Asian pancreatitis patients compared to unaffected individuals (Lee 2003, Fujiki 2004). This variant is reported in ClinVar (Variation ID: 7237) and is observed in the general population with an overall allele frequency of 0.1% (275/282620 alleles, including three homozygotes) in the Genome Aggregation Database. Computational analyses predict that this variant is deleterious (REVEL: 0.923), and expression of the variant protein in a cell line reveals a significant reduction in mature CFTR protein detected compared to wildtype (Lee 2003). Based on available information, the variant is considered to be mildly pathogenic. References: Anzai C et al. CFTR gene mutations in Japanese individuals with congenital bilateral absence of the vas deferens. J Cyst Fibros. 2003 2(1):14-8. PMID: 15463840. Danziger K et al. Improved detection of cystic fibrosis mutations in infertility patients with DNA sequence analysis. Hum Reprod. 2004 19(3):540-6. PMID: 14998948. Fujiki K et al. Genetic evidence for CFTR dysfunction in Japanese: background for chronic pancreatitis. J Med Genet. 2004 41(5):e55. PMID: 15121783. Keiles S et al. Identification of CFTR, PRSS1, and SPINK1 mutations in 381 patients with pancreatitis. Pancreas. 2006 33(3):221-7. PMID: 17003641. Lee J et al. A haplotype-based molecular analysis of CFTR mutations associated with respiratory and pancreatic diseases. Hum Mol Genet. 2003 12(18):2321-32. PMID: 12952861. Li H et al. Mutations in the cystic fibrosis transmembrane conductance regulator (CFTR) in Chinese patients with congenital bilateral absence of vas deferens. J Cyst Fibros. 2012 11(4):316-23. PMID: 22483971. Ratbi I et al. Detection of cystic fibrosis transmembrane conductance regulator (CFTR) gene rearrangements enriches the mutation spectrum in congenital bilateral absence of the vas deferens and impacts on genetic counselling. Hum Reprod. 2007 22(5):1285-91. PMID: 17329263. Steiner B et al. Common CFTR haplotypes and susceptibility to chronic pancreatitis and congenital bilateral absence of the vas deferens. Hum Mutat. 2011 32(8):912-20. PMID: 21520337.

Fulgent Genetics
Classification: Uncertain significance for Hereditary pancreatitis; Bronchiectasis with or without elevated sweat chloride 1; Cystic fibrosis; Congenital bilateral aplasia of vas deferens from CFTR mutation. Last evaluated: 2024-06-22. Review status: criteria provided, single submitter. Criteria: ACMG Guidelines, 2015. Collection method: clinical testing. Allele origin: germline.

Mayo Clinic Laboratories, Mayo Clinic
Classification: Uncertain significance. Last evaluated: 2023-05-09. Review status: criteria provided, single submitter. Criteria: ACMG Guidelines, 2015. Collection method: clinical testing. Allele origin: germline. Observed: 5 variant alleles.
Comment: PP3, PM3

Johns Hopkins Genomics, Johns Hopkins University
Classification: Likely benign for Cystic fibrosis. Last evaluated: 2021-09-07. Review status: criteria provided, single submitter. Criteria: ACMG Guidelines, 2015. Collection method: clinical testing. Allele origin: germline.

Genome Diagnostics Laboratory, The Hospital for Sick Children
Classification: Uncertain significance for Cystic fibrosis. Last evaluated: 2021-05-12. Review status: criteria provided, single submitter. Criteria: ACMG Guidelines, 2015. Collection method: clinical testing. Allele origin: germline.

Mendelics
Classification: Uncertain significance for Cystic fibrosis. Last evaluated: 2019-05-28. Review status: criteria provided, single submitter. Criteria: Mendelics Assertion Criteria 2017. Collection method: clinical testing. Allele origin: unknown.

CFTR-France
Classification: Pathogenic for CFTR-related disorders. Last evaluated: 2018-01-29. Review status: criteria provided, single submitter. Criteria: Claustres M et al. (Hum Mutat 2017). Collection method: curation. Allele origin: germline. Affected: yes and no.

Eurofins Ntd Llc (ga)
Classification: Uncertain significance. Last evaluated: 2017-11-20. Review status: criteria provided, single submitter. Criteria: EGL Classification Definitions 2015. Collection method: clinical testing. Allele origin: germline. Observed: 9 variant alleles, 9 heterozygotes.